The following is an entry in ClinVar:

NM_000092.5(COL4A4):c.1200dup (p.Ala401fs)

Gene: COL4A4 (collagen type IV alpha 4 chain; minus strand). Cytogenetic location: 2q36.3.
Variant type: Duplication.
Coding change: c.1200dup on transcript NM_000092.5 (MANE Select); coding-DNA position 1200, one base duplicated (T; older notation c.1200dupT).
Protein change: p.Ala401fs; shifts the reading frame from alanine 401.
Molecular consequence: frameshift variant.
Genome position (GRCh38, 1-based): chr2:227,098,698, A duplicated on the plus strand (T on the coding strand, the reverse complement: COL4A4 is on the minus strand). VCF-style (leftmost placement, unchanged base first): chr2-227098697-C-CA. GRCh37 (hg19) VCF-style: chr2-227963413-C-CA.
Other names: short protein forms A401fs.
Identifiers: ClinVar variation 1404025 (VCV001404025.6), dbSNP rs2150739132, ClinGen allele CA2573135435.

ClinVar aggregate classification (germline): Pathogenic (1 of 4 stars; one submission).

Submission:

Labcorp Genetics (formerly Invitae), Labcorp
Classification: Pathogenic. Last evaluated: 2021-04-21. Review status: criteria provided, single submitter. Criteria: Invitae Variant Classification Sherloc (09022015). Collection method: clinical testing. Allele origin: germline.
Comment: For these reasons, this variant has been classified as Pathogenic. This variant has not been reported in the literature in individuals with COL4A4-related conditions. This variant is not present in population databases (ExAC no frequency). This sequence change creates a premature translational stop signal (p.Ala401Cysfs*29) in the COL4A4 gene. It is expected to result in an absent or disrupted protein product. Loss-of-function variants in COL4A4 are known to be pathogenic (PMID: 21196518, 24854265, 25307543).

Literature cited by the submitters: PubMed 21196518; PubMed 24854265; PubMed 25307543.